The following is an entry in ClinVar:

NM_003718.5(CDK13):c.3358T>G (p.Ser1120Ala)

Gene: CDK13 (cyclin dependent kinase 13; plus strand). Cytogenetic location: 7p14.1.
Variant type: single nucleotide variant.
Coding change: c.3358T>G on transcript NM_003718.5 (MANE Select); coding-DNA position 3358, T replaced by G.
Protein change: p.Ser1120Ala; replaces serine 1120 with alanine.
Molecular consequence: missense variant. On other transcripts: intron variant (1).
Genome position (GRCh38, 1-based): chr7:40,092,907, T>G. VCF-style: chr7-40092907-T-G. GRCh37 (hg19) VCF-style: chr7-40132506-T-G.
Other names: c.3236-58T>G (NM_031267.3); short protein forms S1120A.
Identifiers: ClinVar variation 2067144 (VCV002067144.8), dbSNP rs561731992, ClinGen allele CA4228933.

ClinVar aggregate classification (germline): Likely benign. Review status: criteria provided, multiple submitters, no conflicts (2 of 4 stars). 2 submissions from 2 submitters: Likely benign (2). Last evaluated 2026-01-01.

Allele frequency attached by ClinVar (database versions not stated): TOPMed 0.00002; gnomAD exomes 0.00009; ExAC 0.00018; 1000 Genomes Project 0.00020; gnomAD 0.00007; 1000 Genomes Project 30x 0.00016.
gnomAD v4.1: 140 of 1,614,194 alleles (0.0087%); highest among the groups gnomAD compares: South Asian, 0.13%; no homozygotes.

Submissions (2):

CeGaT Center for Human Genetics Tuebingen
Classification: Likely benign. Last evaluated: 2026-01-01. Review status: criteria provided, single submitter. Criteria: CeGaT Center For Human Genetics Tuebingen Variant Classification Criteria Version 2. Collection method: clinical testing. Allele origin: germline. Affected: yes. Observed: 1 variant allele.
Comment: CDK13: BP4, BS1

Labcorp Genetics (formerly Invitae), Labcorp
Classification: Likely benign. Last evaluated: 2025-03-03. Review status: criteria provided, single submitter. Criteria: Invitae Variant Classification Sherloc (09022015). Collection method: clinical testing. Allele origin: germline.